The following is an entry in ClinVar:

NM_005732.4(RAD50):c.294A>T (p.Arg98Ser)

Gene: RAD50 (RAD50 double strand break repair protein; plus strand). Cytogenetic location: 5q31.1.
Variant type: single nucleotide variant.
Coding change: c.294A>T on transcript NM_005732.4 (MANE Select); coding-DNA position 294, A replaced by T.
Protein change: p.Arg98Ser; replaces arginine 98 with serine.
Molecular consequence: missense variant.
Genome position (GRCh38, 1-based): chr5:132,575,857, A>T. VCF-style: chr5-132575857-A-T. GRCh37 (hg19) VCF-style: chr5-131911549-A-T.
Other names: c.294A>T (NM_005732.3); short protein forms R98S.
Identifiers: ClinVar variation 1483778 (VCV001483778.7), dbSNP rs1580985086, ClinGen allele CA360930928.
Genomic context (GRCh38, chr5:132,575,857, plus strand): 5'-GAGAGCCCAGATTCGTCTGCAATTTCGTGATGTCAATGGAGAACTTATAGCTGTGCAAAG[A>T]TCTATGGTGTGTACTCAGAAAAGCAAAAAGACAGAATTTAAAACTCTGGAAGGAGTCATT-3'
Protein context (NP_005723.2, residues 88-108): DVNGELIAVQ[Arg98Ser]SMVCTQKSKK

ClinVar aggregate classification (germline): Uncertain significance. Review status: criteria provided, multiple submitters, no conflicts (2 of 4 stars). 2 submissions from 2 submitters: Uncertain significance (2). Last evaluated 2024-04-18.

Conditions:
Hereditary cancer-predisposing syndrome. Also called: Hereditary neoplastic syndrome; Neoplastic Syndromes, Hereditary; Hereditary Cancer Syndrome; Tumor predisposition. Identifiers: Orphanet 140162, MedGen C0027672, MeSH D009386, MONDO:0015356.

Submissions (2):

Ambry Genetics
Classification: Uncertain significance for Hereditary cancer-predisposing syndrome. Last evaluated: 2024-04-18. Review status: criteria provided, single submitter. Criteria: Ambry Variant Classification Scheme 2023. Collection method: clinical testing. Allele origin: germline.
Comment: The p.R98S variant (also known as c.294A>T), located in coding exon 3 of the RAD50 gene, results from an A to T substitution at nucleotide position 294. The arginine at codon 98 is replaced by serine, an amino acid with dissimilar properties. This amino acid position is conserved. In addition, the in silico prediction for this alteration is inconclusive. Based on the available evidence, the clinical significance of this variant remains unclear.

Labcorp Genetics (formerly Invitae), Labcorp
Classification: Uncertain significance for Hereditary cancer-predisposing syndrome. Last evaluated: 2021-09-07. Review status: criteria provided, single submitter. Criteria: Invitae Variant Classification Sherloc (09022015). Collection method: clinical testing. Allele origin: germline.
Comment: This sequence change replaces arginine with serine at codon 98 of the RAD50 protein (p.Arg98Ser). The arginine residue is highly conserved and there is a moderate physicochemical difference between arginine and serine. This variant is not present in population databases (ExAC no frequency). This variant has not been reported in the literature in individuals affected with RAD50-related conditions. Algorithms developed to predict the effect of missense changes on protein structure and function (SIFT, PolyPhen-2, Align-GVGD) all suggest that this variant is likely to be disruptive. In summary, the available evidence is currently insufficient to determine the role of this variant in disease. Therefore, it has been classified as a Variant of Uncertain Significance.